The following is an entry in ClinVar:

NM_000094.4(COL7A1):c.6760G>A (p.Gly2254Arg)

Gene: COL7A1 (collagen type VII alpha 1 chain; minus strand). Cytogenetic location: 3p21.31.
Variant type: single nucleotide variant.
Coding change: c.6760G>A on transcript NM_000094.4 (MANE Select); coding-DNA position 6760, G replaced by A.
Protein change: p.Gly2254Arg; replaces glycine 2254 with arginine.
Molecular consequence: missense variant.
Genome position (GRCh38, 1-based): chr3:48,572,933, C>T on the plus strand (G>A on the coding strand, the complement: COL7A1 is on the minus strand). VCF-style: chr3-48572933-C-T. GRCh37 (hg19) VCF-style: chr3-48610366-C-T.
Other names: short protein forms G2254R.
Identifiers: ClinVar variation 1683714 (VCV001683714.4), dbSNP rs2107659888, ClinGen allele CA352654887.

ClinVar aggregate classification (germline): Pathogenic/Likely pathogenic. Review status: criteria provided, multiple submitters, no conflicts (2 of 4 stars). 2 submissions from 2 submitters: Pathogenic (1); Likely pathogenic (1). Last evaluated 2025-06-04.

Conditions:
Recessive dystrophic epidermolysis bullosa (RDEB). Also called: Hallopeau-Siemens Disease; DYSTROPHIC EPIDERMOLYSIS BULLOSA, AUTOSOMAL RECESSIVE; EPIDERMOLYSIS BULLOSA DYSTROPHICA, HALLOPEAU-SIEMENS TYPE; EPIDERMOLYSIS BULLOSA DYSTROPHICA, GENERALIZED SEVERE, AUTOSOMAL RECESSIVE; epidermolysis bullosa dystrophica, autosomal recessive; Recessive DEB (RDEB). Identifiers: Orphanet 79408, Orphanet 79409, MedGen C0079474, MONDO:0009179, OMIM 226600.
Generalized dominant dystrophic epidermolysis bullosa (DDEB). Also called: DDEB, generalized; DDEB-gen; DYSTROPHIC EPIDERMOLYSIS BULLOSA, AUTOSOMAL DOMINANT; Epidermolysis bullosa dystrophica, autosomal dominant; Dominant DEB (DDEB). Identifiers: Orphanet 231568, MedGen C0432322, MONDO:0007549, OMIM 131750.

Submissions (2):

Labcorp Genetics (formerly Invitae), Labcorp
Classification: Pathogenic. Last evaluated: 2025-06-04. Review status: criteria provided, single submitter. Criteria: Invitae Variant Classification Sherloc (09022015). Collection method: clinical testing. Allele origin: germline.
Comment: This sequence change replaces glycine, which is neutral and non-polar, with arginine, which is basic and polar, at codon 2254 of the COL7A1 protein (p.Gly2254Arg). This variant is not present in population databases (gnomAD no frequency). This missense change has been observed in individual(s) with clinical features of autosomal recessive epidermolysis bullosa dystrophica (internal data). In at least one individual the data is consistent with being in trans (on the opposite chromosome) from a pathogenic variant. ClinVar contains an entry for this variant (Variation ID: 1683714). Invitae Evidence Modeling of protein sequence and biophysical properties (such as structural, functional, and spatial information, amino acid conservation, physicochemical variation, residue mobility, and thermodynamic stability) indicates that this missense variant is expected to disrupt COL7A1 protein function with a positive predictive value of 95%. This variant disrupts the triple helix domain of COL7A1. Glycine residues within the Gly-Xaa-Yaa repeats of the triple helix domain are required for the structure and stability of fibrillar collagens (PMID: 7695699, 8218237, 19344236), and variants at these glycine residues in COL7A1 are more frequently observed in individuals with disease than in the general population (PMID: 22058051). However, the clinical significance of this observation remains uncertain since only a limited number of affected individuals have been described to date. For these reasons, this variant has been classified as Pathogenic.

Laboratorio de Genetica e Diagnostico Molecular, Hospital Israelita Albert Einstein
Classification: Likely pathogenic for Generalized dominant dystrophic epidermolysis bullosa; Recessive dystrophic epidermolysis bullosa. Last evaluated: 2022-01-24. Review status: criteria provided, single submitter. Criteria: ACMG Guidelines, 2015. Collection method: clinical testing. Allele origin: germline. Affected: yes.
Comment: ACMG classification criteria: PM1 moderate, PM2 moderate, PM5, PP3 supporting

Literature cited by the submitters: PubMed 7695699 (cited by Labcorp Genetics (formerly Invitae), Labcorp); PubMed 8218237 (cited by Labcorp Genetics (formerly Invitae), Labcorp); PubMed 19344236 (cited by Labcorp Genetics (formerly Invitae), Labcorp); PubMed 22058051 (cited by Labcorp Genetics (formerly Invitae), Labcorp).